The following is an entry in ClinVar:

NM_201384.3(PLEC):c.11704G>A (p.Val3902Ile)

Gene: PLEC (plectin; minus strand). Cytogenetic location: 8q24.3.
Variant type: single nucleotide variant.
Coding change: c.11704G>A on transcript NM_201384.3 (MANE Select); coding-DNA position 11704, G replaced by A.
Protein change: p.Val3902Ile; replaces valine 3902 with isoleucine.
Molecular consequence: missense variant.
Genome position (GRCh38, 1-based): chr8:143,918,117, C>T on the plus strand (G>A on the coding strand, the complement: PLEC is on the minus strand). VCF-style: chr8-143918117-C-T. GRCh37 (hg19) VCF-style: chr8-144992285-C-T.
Other names: c.11785G>A, p.Val3929Ile (NM_000445.5); c.8404G>A, p.Val2802Ile (NM_001410941.1); c.11662G>A, p.Val3888Ile (NM_201378.4); c.11638G>A, p.Val3880Ile (NM_201379.3); c.12115G>A, p.Val4039Ile (NM_201380.4); c.11608G>A, p.Val3870Ile (NM_201381.3); c.11704G>A, p.Val3902Ile (NM_201382.4); c.11716G>A, p.Val3906Ile (NM_201383.3); short protein forms V2802I, V3906I, V3902I, V3929I, V3880I, V3888I, V4039I, V3870I.
Identifiers: ClinVar variation 4791440 (VCV004791440.1).

ClinVar aggregate classification (germline): Uncertain significance (1 of 4 stars; one submission).

Conditions:
Epidermolysis bullosa simplex with nail dystrophy (EBS5D). Identifiers: MedGen C4225309, MONDO:0014661, OMIM 616487.
Epidermolysis bullosa simplex, Ogna type (EBS5A). Also called: EPIDERMOLYSIS BULLOSA SIMPLEX 5A, OGNA TYPE; Pidermolysis bullosa simplex 5A, Ogna type. Identifiers: Orphanet 79401, MedGen C0432317, MONDO:0007555, OMIM 131950.
Autosomal recessive limb-girdle muscular dystrophy type 2Q (LGMDR17). Also called: MUSCULAR DYSTROPHY, LIMB-GIRDLE, AUTOSOMAL RECESSIVE 17. Identifiers: Orphanet 254361, MedGen C3150989, MONDO:0013390, OMIM 613723.
Epidermolysis bullosa simplex 5B, with muscular dystrophy (EBS5B). Also called: EPIDERMOLYSIS BULLOSA SIMPLEX AND LIMB-GIRDLE MUSCULAR DYSTROPHY; Epidermolysis bullosa simplex with muscular dystrophy. Identifiers: Orphanet 257, MedGen C2931072, MONDO:0009181, OMIM 226670.
Epidermolysis bullosa simplex 5C, with pyloric atresia (EBS5C). Also called: PLEC-Related Epidermolysis Bullosa with Pyloric Atresia; Epidermolysis bullosa simplex with pyloric atresia; PLEC1-Related Epidermolysis Bullosa with Pyloric Atresia. Identifiers: Orphanet 158684, MedGen C2677349, MONDO:0012807, OMIM 612138.

gnomAD v4.1: 2 of 1,598,386 alleles (0.00013%); highest among the groups gnomAD compares: African/African-American, 0.0013%; no homozygotes.

Submission:

Labcorp Genetics (formerly Invitae), Labcorp
Classification: Uncertain significance for Autosomal recessive limb-girdle muscular dystrophy type 2Q; Epidermolysis bullosa simplex, Ogna type; Epidermolysis bullosa simplex with nail dystrophy; Epidermolysis bullosa simplex 5C, with pyloric atresia; Epidermolysis bullosa simplex 5B, with muscular dystrophy. Last evaluated: 2025-07-20. Review status: criteria provided, single submitter. Criteria: Invitae Variant Classification Sherloc (09022015). Collection method: clinical testing. Allele origin: germline.
Comment: This sequence change replaces valine, which is neutral and non-polar, with isoleucine, which is neutral and non-polar, at codon 3929 of the PLEC protein (p.Val3929Ile). This variant is not present in population databases (gnomAD no frequency). This variant has not been reported in the literature in individuals affected with PLEC-related conditions. An algorithm developed to predict the effect of missense changes on protein structure and function (PolyPhen-2) suggests that this variant is likely to be tolerated. In summary, the available evidence is currently insufficient to determine the role of this variant in disease. Therefore, it has been classified as a Variant of Uncertain Significance.